The following is an entry in ClinVar:

NM_024809.5(TCTN2):c.721dup (p.Leu241fs)

Gene: TCTN2 (tectonic family member 2; plus strand). Cytogenetic location: 12q24.31.
Variant type: Duplication.
Coding change: c.721dup on transcript NM_024809.5 (MANE Select); coding-DNA position 721, one base duplicated (C; older notation c.721dupC).
Protein change: p.Leu241fs; shifts the reading frame from leucine 241.
Molecular consequence: frameshift variant.
Genome position (GRCh38, 1-based): chr12:123,686,992, C duplicated; the last of 6 consecutive C bases (chr12:123,686,987-123,686,992); duplicating any one gives the same sequence. VCF-style (leftmost placement, unchanged base first): chr12-123686986-T-TC. GRCh37 (hg19) VCF-style: chr12-124171533-T-TC.
Other names: c.718dup, p.Leu240fs (NM_001143850.3); c.721dup, p.Leu241fs (NM_001410989.1); short protein forms L240fs, L241fs.
Identifiers: ClinVar variation 4790384 (VCV004790384.1).
Genomic context (GRCh38, chr12:123,686,986, plus strand): 5'-TGCTCTGCTGGGACGACGACACGTGGTGTCCCCGATTGGTTTCCCTTTCTGTGTGTGCAG[T>TC]CCCCCCTTGCCAACACACCCTTCCTTGGTTACTTCTATCATGGTGCTGTGTAAGTGTCTG-3'

ClinVar aggregate classification (germline): Pathogenic (1 of 4 stars; one submission).

Conditions:
Meckel-Gruber syndrome. Also called: GRUBER SYNDROME; DYSENCEPHALIA SPLANCHNOCYSTICA; Dysencephalia splachnocystica. Identifiers: Orphanet 564, MedGen C0265215, MONDO:0018921.
Joubert syndrome. Also called: Familial aplasia of the vermis; JOUBERT-BOLTSHAUSER SYNDROME; CEREBELLOPARENCHYMAL DISORDER IV. Identifiers: Orphanet 475, MedGen C5979921, MONDO:0018772.

Submission:

Labcorp Genetics (formerly Invitae), Labcorp
Classification: Pathogenic for Joubert syndrome; Meckel-Gruber syndrome. Last evaluated: 2025-07-23. Review status: criteria provided, single submitter. Criteria: Invitae Variant Classification Sherloc (09022015). Collection method: clinical testing. Allele origin: germline.
Comment: This sequence change creates a premature translational stop signal (p.Leu241Profs*24) in the TCTN2 gene. It is expected to result in an absent or disrupted protein product. Loss-of-function variants in TCTN2 are known to be pathogenic (PMID: 21565611). This variant is present in population databases (no rsID available, gnomAD 0.0009%). This variant has not been reported in the literature in individuals affected with TCTN2-related conditions. For these reasons, this variant has been classified as Pathogenic.

Literature cited by the submitters: PubMed 21565611.